The following is an entry in ClinVar:

ClinVar aggregate classification (germline): Uncertain significance. Review status: criteria provided, multiple submitters, no conflicts (2 of 4 stars). 8 submissions from 7 submitters: Uncertain significance (8). Last evaluated 2026-04-01.

Conditions:
Syndactyly. Also called: Webbed fingers or toes. Identifiers: MedGen C0039075, MONDO:0021002, HP:0001159.
Spondylocostal dysostosis 1, autosomal recessive (SCDO1). Also called: DLL3-Related Spondylocostal Dysostosis, Autosomal Recessive. Identifiers: Orphanet 2311, MedGen CN032975, MONDO:0020692, OMIM 277300.

Allele frequency attached by ClinVar (database versions not stated): gnomAD 0.00029 and 0.00031; gnomAD exomes 0.00031 and 0.00044; TOPMed 0.00031; ExAC 0.00040; ESP Exome Variant Server 0.00054.
gnomAD v4.1: 523 of 1,613,846 alleles (0.032%); highest among the groups gnomAD compares: Middle Eastern, 0.25%; no homozygotes.

Submissions (8):

CeGaT Center for Human Genetics Tuebingen
Classification: Uncertain significance. Last evaluated: 2026-04-01. Review status: criteria provided, single submitter. Criteria: CeGaT Center For Human Genetics Tuebingen Variant Classification Criteria Version 2. Collection method: clinical testing. Allele origin: germline. Affected: yes. Observed: 1 variant allele.
Comment: DLL3: PP3

GeneDx
Classification: Uncertain significance. Last evaluated: 2026-02-18. Review status: criteria provided, single submitter. Criteria: GeneDx Variant Classification Process June 2021. Collection method: clinical testing. Allele origin: germline.
Comment: In silico analysis supports that this missense variant has a deleterious effect on protein structure/function; Has not been previously published as pathogenic or benign to our knowledge

Labcorp Genetics (formerly Invitae), Labcorp
Classification: Uncertain significance. Last evaluated: 2026-01-13. Review status: criteria provided, single submitter. Criteria: Invitae Variant Classification Sherloc (09022015). Collection method: clinical testing. Allele origin: germline.
Comment: This sequence change replaces asparagine, which is neutral and polar, with serine, which is neutral and polar, at codon 364 of the DLL3 protein (p.Asn364Ser). This variant is present in population databases (rs142597040, gnomAD 0.09%). This variant has not been reported in the literature in individuals affected with DLL3-related conditions. ClinVar contains an entry for this variant (Variation ID: 497714). An algorithm developed to predict the effect of missense changes on protein structure and function (PolyPhen-2) suggests that this variant is likely to be disruptive. In summary, the available evidence is currently insufficient to determine the role of this variant in disease. Therefore, it has been classified as a Variant of Uncertain Significance.

Department of Pathology and Laboratory Medicine, Sinai Health System
Classification: Uncertain significance for spondylocostal dysostosis 1, autosomal recessive. Last evaluated: 2022-03-23. Review status: criteria provided, single submitter. Criteria: ACMG Guidelines, 2015. Collection method: research. Allele origin: germline.

Illumina Laboratory Services, Illumina
Classification: Uncertain significance for Spondylocostal dysostosis 1, autosomal recessive. Last evaluated: 2018-01-13. Review status: criteria provided, single submitter. Criteria: ICSL Variant Classification Criteria 13 December 2019. Collection method: clinical testing. Allele origin: germline.

Illumina Laboratory Services, Illumina
Classification: Uncertain significance for Non-syndromic syndactyly. Last evaluated: 2018-01-13. Review status: criteria provided, single submitter. Criteria: ICSL Variant Classification Criteria 13 December 2019. Collection method: clinical testing. Allele origin: germline.

Eurofins Ntd Llc (ga)
Classification: Uncertain significance. Last evaluated: 2016-10-21. Review status: criteria provided, single submitter. Criteria: EGL Classification Definitions 2015. Collection method: clinical testing. Allele origin: germline. Observed: 1 variant allele, 1 heterozygote.

Breakthrough Genomics
Classification: Uncertain significance. Review status: criteria provided, single submitter. Criteria: ACMG Guidelines, 2015. Collection method: not provided. Allele origin: germline. Inheritance: Autosomal dominant inheritance. Affected: yes.

NM_203486.3(DLL3):c.1091A>G (p.Asn364Ser)

Gene: DLL3 (delta like canonical Notch ligand 3; plus strand). Cytogenetic location: 19q13.2.
Variant type: single nucleotide variant.
Coding change: c.1091A>G on transcript NM_203486.3 (MANE Select); coding-DNA position 1091, A replaced by G.
Protein change: p.Asn364Ser; replaces asparagine 364 with serine.
Molecular consequence: missense variant.
Genome position (GRCh38, 1-based): chr19:39,505,449, A>G. VCF-style: chr19-39505449-A-G. GRCh37 (hg19) VCF-style: chr19-39996089-A-G.
Other names: c.1091A>G, p.Asn364Ser (NM_016941.4); short protein forms N364S.
Identifiers: ClinVar variation 497714 (VCV000497714.19), dbSNP rs142597040, ClinGen allele CA9432347.